The following is an entry in ClinVar:

ClinVar aggregate classification (germline): Likely benign. Review status: criteria provided, multiple submitters, no conflicts (2 of 4 stars). 4 submissions from 4 submitters: Likely benign (4). Last evaluated 2025-12-07.

Allele frequency attached by ClinVar (database versions not stated): gnomAD exomes 0.00016 and 0.00027; 1000 Genomes Project 0.00020; TOPMed 0.00022; ExAC 0.00025; gnomAD 0.00026 and 0.00029; 1000 Genomes Project 30x 0.00031.
gnomAD v4.1: 401 of 1,540,502 alleles (0.026%); highest among the groups gnomAD compares: Non-Finnish European, 0.033%; 1 homozygote.

Submissions (4):

Mayo Clinic Laboratories, Mayo Clinic
Classification: Likely benign. Last evaluated: 2025-12-07. Review status: criteria provided, single submitter. Criteria: ACMG Guidelines, 2015. Collection method: clinical testing. Allele origin: germline. Observed: 3 variant alleles.
Comment: BP4, BP7

Labcorp Genetics (formerly Invitae), Labcorp
Classification: Likely benign. Last evaluated: 2025-02-13. Review status: criteria provided, single submitter. Criteria: Invitae Variant Classification Sherloc (09022015). Collection method: clinical testing. Allele origin: germline.

Blueprint Genetics
Classification: Likely benign. Last evaluated: 2024-08-16. Review status: criteria provided, single submitter. Criteria: ACMG Guidelines, 2015. Collection method: clinical testing. Allele origin: germline.

Breakthrough Genomics
Classification: Likely benign. Review status: criteria provided, single submitter. Criteria: ACMG Guidelines, 2015. Collection method: not provided. Allele origin: germline. Inheritance: Autosomal recessive inheritance. Affected: yes.

NM_001142864.4(PIEZO1):c.5214+8G>A

Gene: PIEZO1 (piezo type mechanosensitive ion channel component 1 (Er blood group); minus strand). Cytogenetic location: 16q24.3.
Variant type: single nucleotide variant.
Coding change: c.5214+8G>A on transcript NM_001142864.4 (MANE Select); 8 bases into the intron after coding-DNA position 5214, G replaced by A.
Molecular consequence: intron variant.
Genome position (GRCh38, 1-based): chr16:88,721,800, C>T on the plus strand (G>A on the coding strand, the complement: PIEZO1 is on the minus strand). VCF-style: chr16-88721800-C-T. GRCh37 (hg19) VCF-style: chr16-88788208-C-T.
Other names: p.?.
Identifiers: ClinVar variation 746350 (VCV000746350.9), dbSNP rs536629081, ClinGen allele CA8231939.